The following is an entry in ClinVar:

ClinVar aggregate classification (germline): Uncertain significance (1 of 4 stars; one submission).

Conditions:
Primary ciliary dyskinesia. Also called: Ciliary dyskinesia. Identifiers: Orphanet 244, MedGen C0008780, MONDO:0016575, HP:0012265.

Submission:

Labcorp Genetics (formerly Invitae), Labcorp
Classification: Uncertain significance for Primary ciliary dyskinesia. Last evaluated: 2022-08-22. Review status: criteria provided, single submitter. Criteria: Invitae Variant Classification Sherloc (09022015). Collection method: clinical testing. Allele origin: germline.
Comment: Algorithms developed to predict the effect of missense changes on protein structure and function are either unavailable or do not agree on the potential impact of this missense change (SIFT: "Deleterious"; PolyPhen-2: "Probably Damaging"; Align-GVGD: "Class C0"). ClinVar contains an entry for this variant (Variation ID: 1488657). This variant has not been reported in the literature in individuals affected with RPGR-related conditions. This variant is not present in population databases (gnomAD no frequency). This sequence change replaces serine, which is neutral and polar, with proline, which is neutral and non-polar, at codon 146 of the RPGR protein (p.Ser146Pro). In summary, the available evidence is currently insufficient to determine the role of this variant in disease. Therefore, it has been classified as a Variant of Uncertain Significance.

NM_001034853.2(RPGR):c.436T>C (p.Ser146Pro)

Gene: RPGR (retinitis pigmentosa GTPase regulator; minus strand). Cytogenetic location: Xp11.4.
Variant type: single nucleotide variant.
Coding change: c.436T>C on transcript NM_001034853.2 (MANE Select); coding-DNA position 436, T replaced by C.
Protein change: p.Ser146Pro; replaces serine 146 with proline.
Molecular consequence: missense variant. On other transcripts: non-coding transcript variant (6).
Genome position (GRCh38, 1-based): chrX:38,318,862, A>G on the plus strand (T>C on the coding strand, the complement: RPGR is on the minus strand). VCF-style: chrX-38318862-A-G. GRCh37 (hg19) VCF-style: chrX-38178115-A-G.
Other names: c.436T>C, p.Ser146Pro (NM_000328.3, NM_001367245.1, NM_001367246.1 and 3 more transcripts); c.466T>C, p.Ser156Pro (NM_001367248.1); c.433T>C, p.Ser145Pro (NM_001367249.1); short protein forms S146P, S156P, S145P.
Identifiers: ClinVar variation 1488657 (VCV001488657.6), dbSNP rs2147280274, ClinGen allele CA412745054.